The following is an entry in ClinVar:

ClinVar aggregate classification (germline): Uncertain significance (1 of 4 stars; one submission).

Conditions:
Ullrich congenital muscular dystrophy 2 (UCMD2). Identifiers: Orphanet 75840, MedGen C4225314, MONDO:0014654, OMIM 616470.
Bethlem myopathy 2 (BTHLM2). Identifiers: Orphanet 536516, Orphanet 610, MedGen C4225313, MONDO:0034022, OMIM 616471.

Submission:

Labcorp Genetics (formerly Invitae), Labcorp
Classification: Uncertain significance for Bethlem myopathy 2; Ullrich congenital muscular dystrophy 2. Last evaluated: 2023-06-24. Review status: criteria provided, single submitter. Criteria: Invitae Variant Classification Sherloc (09022015). Collection method: clinical testing. Allele origin: germline.
Comment: This sequence change replaces glutamic acid, which is acidic and polar, with lysine, which is basic and polar, at codon 1604 of the COL12A1 protein (p.Glu1604Lys). This variant is not present in population databases (gnomAD no frequency). This variant has not been reported in the literature in individuals affected with COL12A1-related conditions. Advanced modeling of protein sequence and biophysical properties (such as structural, functional, and spatial information, amino acid conservation, physicochemical variation, residue mobility, and thermodynamic stability) performed at Invitae indicates that this missense variant is not expected to disrupt COL12A1 protein function. In summary, the available evidence is currently insufficient to determine the role of this variant in disease. Therefore, it has been classified as a Variant of Uncertain Significance.

NM_004370.6(COL12A1):c.4810G>A (p.Glu1604Lys)

Gene: COL12A1 (collagen type XII alpha 1 chain; minus strand). Cytogenetic location: 6q13.
Variant type: single nucleotide variant.
Coding change: c.4810G>A on transcript NM_004370.6 (MANE Select); coding-DNA position 4810, G replaced by A.
Protein change: p.Glu1604Lys; replaces glutamic acid 1604 with lysine.
Molecular consequence: missense variant.
Genome position (GRCh38, 1-based): chr6:75,143,269, C>T on the plus strand (G>A on the coding strand, the complement: COL12A1 is on the minus strand). VCF-style: chr6-75143269-C-T. GRCh37 (hg19) VCF-style: chr6-75852985-C-T.
Other names: c.4810G>A, p.Glu1604Lys (NM_001424114.1, NM_001424113.1); c.4537G>A, p.Glu1513Lys (NM_001424115.1); c.1318G>A, p.Glu440Lys (NM_001424116.1, NM_080645.3); short protein forms E1604K, E440K, E1513K.
Identifiers: ClinVar variation 2949255 (VCV002949255.3), dbSNP rs2533345362, ClinGen allele CA364741810.
Genomic context (GRCh38, chr6:75,143,269, plus strand): 5'-AGGAAAACAAATATTTTCATATCTACTATCATCTTCAACCTACCTCTTTGACATCCTCTT[C>T]TGGTGTTTTGTATCGAACAATATATTTACGCACTTTTCCAGGCACAGGTTCCCAAAAGAC-3'
Protein context (NP_004361.3, residues 1594-1614): RKYIVRYKTP[Glu1604Lys]EDVKEVEVDR